The following is an entry in ClinVar:

NM_145239.3(PRRT2):c.118G>A (p.Gly40Arg)

Genes: MVP-DT (MVP divergent transcript; minus strand), PRRT2 (proline rich transmembrane protein 2; plus strand). Cytogenetic location: 16p11.2.
Variant type: single nucleotide variant.
Coding change: c.118G>A on transcript NM_145239.3 (MANE Select); coding-DNA position 118, G replaced by A.
Protein change: p.Gly40Arg; replaces glycine 40 with arginine.
Molecular consequence: missense variant.
Genome position (GRCh38, 1-based): chr16:29,813,172, G>A. VCF-style: chr16-29813172-G-A. GRCh37 (hg19) VCF-style: chr16-29824493-G-A.
Other names: c.118G>A, p.Gly40Arg (NM_001256442.2, NM_001256443.2); c.118G>A (NM_145239.2); short protein forms G40R.
Identifiers: ClinVar variation 1043239 (VCV001043239.10), dbSNP rs1193212149, ClinGen allele CA395477349.

ClinVar aggregate classification (germline): Uncertain significance. Review status: criteria provided, multiple submitters, no conflicts (2 of 4 stars). 2 submissions from 2 submitters: Uncertain significance (2). Last evaluated 2025-10-14.

Conditions:
Episodic kinesigenic dyskinesia (EKD). Also called: Paroxysmal kinesigenic dyskinesia. Identifiers: Orphanet 98809, MedGen C1868682, MONDO:0044202.
Inborn genetic diseases. Identifiers: MedGen C0950123, MeSH D030342.

Allele frequency attached by ClinVar (database versions not stated): gnomAD exomes below 0.00001 and 0.00001.

Submissions (2):

Ambry Genetics
Classification: Uncertain significance for Inborn genetic diseases. Last evaluated: 2025-10-14. Review status: criteria provided, single submitter. Criteria: Ambry Variant Classification Scheme 2023. Collection method: clinical testing. Allele origin: germline.

Labcorp Genetics (formerly Invitae), Labcorp
Classification: Uncertain significance for Episodic kinesigenic dyskinesia. Last evaluated: 2020-05-27. Review status: criteria provided, single submitter. Criteria: Invitae Variant Classification Sherloc (09022015). Collection method: clinical testing. Allele origin: germline.
Comment: In summary, the available evidence is currently insufficient to determine the role of this variant in disease. Therefore, it has been classified as a Variant of Uncertain Significance. Algorithms developed to predict the effect of missense changes on protein structure and function output the following: SIFT: "Tolerated"; PolyPhen-2: "Benign"; Align-GVGD: "Class C0". The arginine amino acid residue is found in multiple mammalian species, suggesting that this missense change does not adversely affect protein function. These predictions have not been confirmed by published functional studies and their clinical significance is uncertain. This variant has not been reported in the literature in individuals with PRRT2-related conditions. This variant is not present in population databases (ExAC no frequency). This sequence change replaces glycine with arginine at codon 40 of the PRRT2 protein (p.Gly40Arg). The glycine residue is moderately conserved and there is a moderate physicochemical difference between glycine and arginine.